The following is an entry in ClinVar:

ClinVar aggregate classification (germline): Uncertain significance (1 of 4 stars; one submission).

Conditions:
FGFR3-related chondrodysplasia. Identifiers: Orphanet 93420, MedGen C5681604, MONDO:0019685.

Submission:

Genomenon, Inc
Classification: Uncertain significance for FGFR3-related chondrodysplasia. Last evaluated: 2026-06-23. Review status: criteria provided, single submitter. Criteria: Genomenon Sequence Variant Interpretation Standards - Updated. Collection method: curation. Allele origin: germline. Affected: no.
Comment: FGFR3 p.Ala514Asp (c.1541C>A) is a missense variant that changes the amino acid at codon 514 from Alanine to Aspartic acid. This variant has been reported in the published literature (PMID:38307035). It is absent or not present at a significant frequency in gnomAD. In silico models predict that this variant is possibly or probably damaging. In conclusion, we classify FGFR3 p.Ala514Asp (c.1541C>A) as a variant of uncertain significance.

Literature cited by the submitters: PubMed 38307035.

NM_000142.5(FGFR3):c.1541C>A (p.Ala514Asp)

Gene: FGFR3 (fibroblast growth factor receptor 3; plus strand). Cytogenetic location: 4p16.3.
Variant type: single nucleotide variant.
Coding change: c.1541C>A on transcript NM_000142.5 (MANE Select); coding-DNA position 1541, C replaced by A.
Protein change: p.Ala514Asp; replaces alanine 514 with aspartic acid.
Molecular consequence: missense variant. On other transcripts: non-coding transcript variant (1).
Genome position (GRCh38, 1-based): chr4:1,805,565, C>A. VCF-style: chr4-1805565-C-A. GRCh37 (hg19) VCF-style: chr4-1807292-C-A.
Other names: c.1547C>A, p.Ala516Asp (NM_001163213.2); c.1544C>A, p.Ala515Asp (NM_001354809.2, NM_001354810.2); c.1205C>A, p.Ala402Asp (NM_022965.4); short protein forms A402D, A514D, A515D, A516D.
Identifiers: ClinVar variation 4857785 (VCV004857785.1).
Genomic context (GRCh38, chr4:1,805,565, plus strand): 5'-GCAGGGCTGGGGGCGCCGCCGCCGCCTGACACAGGCCCCCCGCTCCGTGCACAGACGATG[C>A]CACTGACAAGGACCTGTCGGACCTGGTGTCTGAGATGGAGATGATGAAGATGATCGGGAA-3'
Protein context (NP_000133.1, residues 504-524): TVAVKMLKDD[Ala514Asp]TDKDLSDLVS